The following is an entry in ClinVar:

NM_000218.3(KCNQ1):c.933C>T (p.Thr311=)

Gene: KCNQ1 (potassium voltage-gated channel subfamily Q member 1; plus strand). Cytogenetic location: 11p15.5.
Variant type: single nucleotide variant.
Coding change: c.933C>T on transcript NM_000218.3 (MANE Select); coding-DNA position 933, C replaced by T.
Protein change: p.Thr311=; no amino-acid change (threonine 311 retained).
Molecular consequence: synonymous variant.
Genome position (GRCh38, 1-based): chr11:2,583,446, C>T. VCF-style: chr11-2583446-C-T. GRCh37 (hg19) VCF-style: chr11-2604676-C-T.
Other names: c.933C>T, p.Thr311= (NM_001406836.1); c.663C>T, p.Thr221= (NM_001406837.1); c.489C>T, p.Thr163= (NM_001406838.1); c.552C>T, p.Thr184= (NM_181798.2).
Identifiers: ClinVar variation 3386927 (VCV003386927.1).

ClinVar aggregate classification (germline): Likely benign (1 of 4 stars; one submission).

Conditions:
Long QT syndrome (LQTS). Identifiers: MedGen C0023976, MeSH D008133, MONDO:0002442. Disease mechanism: loss of function. Inheritance: Various modes of inheritance.

Submission:

All of Us Research Program, National Institutes of Health
Classification: Likely benign for Long QT syndrome. Last evaluated: 2024-07-20. Review status: criteria provided, single submitter. Criteria: ACMG Guidelines, 2015. Collection method: clinical testing. Allele origin: germline. Inheritance: Autosomal dominant inheritance. Observed: 1 variant allele, 1 heterozygote.
Comment: This study involves interpretation of variants in research participants for the purpose of population health screening. Participant phenotype was not available at the time of variant classification. Additional details can be found in publication PMID: 35346344, PMCID: PMC8962531